The following is an entry in ClinVar:

NM_000179.3(MSH6):c.478C>G (p.Gln160Glu)

Gene: MSH6 (mutS homolog 6; plus strand). Cytogenetic location: 2p16.3.
Variant type: single nucleotide variant.
Coding change: c.478C>G on transcript NM_000179.3 (MANE Select); coding-DNA position 478, C replaced by G.
Protein change: p.Gln160Glu; replaces glutamine 160 with glutamic acid.
Molecular consequence: missense variant. On other transcripts: 5 prime UTR variant (5), non-coding transcript variant (5), intron variant (8).
Genome position (GRCh38, 1-based): chr2:47,795,914, C>G. VCF-style: chr2-47795914-C-G. GRCh37 (hg19) VCF-style: chr2-48023053-C-G.
Other names: c.-425C>G (NM_001281494.2); c.574C>G, p.Gln192Glu (NM_001406795.1, NM_001406802.1); c.478C>G, p.Gln160Glu (NM_001406796.1, NM_001406798.1, NM_001406800.1 and 5 more transcripts); c.181C>G, p.Gln61Glu (NM_001406797.1, NM_001406801.1, NM_001406805.1 and 10 more transcripts); c.-48C>G (NM_001406799.1, NM_001406806.1, NM_001406807.1); c.400C>G, p.Gln134Glu (NM_001406804.1); c.484C>G, p.Gln162Glu (NM_001406813.1); c.-517C>G (NM_001406814.1); and 3 more; short protein forms Q134E, Q162E, Q61E, Q104E, Q160E, Q192E.
Identifiers: ClinVar variation 2773626 (VCV002773626.2), dbSNP rs1114167692, ClinGen allele CA346738598.

ClinVar aggregate classification (germline): Uncertain significance (1 of 4 stars; one submission).

Conditions:
Hereditary cancer-predisposing syndrome. Also called: Hereditary neoplastic syndrome; Hereditary Cancer Syndrome; Neoplastic Syndromes, Hereditary; Tumor predisposition. Identifiers: Orphanet 140162, MedGen C0027672, MeSH D009386, MONDO:0015356.

Submission:

Color Diagnostics, LLC DBA Color Health
Classification: Uncertain significance for Hereditary cancer-predisposing syndrome. Last evaluated: 2022-08-15. Review status: criteria provided, single submitter. Criteria: ACMG Guidelines, 2015. Collection method: clinical testing. Allele origin: germline.
Comment: This missense variant replaces glutamine with glutamic acid at codon 160 of the MSH6 protein. Computational prediction suggests that this variant may not impact protein structure and function (internally defined REVEL score threshold <= 0.5, PMID: 27666373). To our knowledge, functional studies have not been reported for this variant. This variant has not been reported in individuals affected with hereditary cancer in the literature. This variant has not been identified in the general population by the Genome Aggregation Database (gnomAD). The available evidence is insufficient to determine the role of this variant in disease conclusively. Therefore, this variant is classified as a Variant of Uncertain Significance.